The following is an entry in ClinVar:

NM_001376.5(DYNC1H1):c.13516-2A>G

Gene: DYNC1H1 (dynein cytoplasmic 1 heavy chain 1; plus strand). Cytogenetic location: 14q32.31.
Variant type: single nucleotide variant.
Coding change: c.13516-2A>G on transcript NM_001376.5 (MANE Select); the canonical splice acceptor site of the intron before coding-DNA position 13516, A replaced by G.
Molecular consequence: splice acceptor variant.
Genome position (GRCh38, 1-based): chr14:102,049,712, A>G. VCF-style: chr14-102049712-A-G. GRCh37 (hg19) VCF-style: chr14-102516049-A-G.
Identifiers: ClinVar variation 1995186 (VCV001995186.4), dbSNP rs2503889391, ClinGen allele CA391049818.

ClinVar aggregate classification (germline): Uncertain significance (1 of 4 stars; one submission).

Conditions:
Charcot-Marie-Tooth disease axonal type 2O. Also called: CHARCOT-MARIE-TOOTH NEUROPATHY, AXONAL, TYPE 2O; CHARCOT-MARIE-TOOTH DISEASE, AXONAL, AUTOSOMAL DOMINANT, TYPE 2O; Charcot-Marie-Tooth Neuropathy Type 2O; Charcot-Marie-Tooth disease, axonal, type 20. Identifiers: Orphanet 284232, MedGen C3280220, MONDO:0013644, OMIM 614228.

Submission:

Labcorp Genetics (formerly Invitae), Labcorp
Classification: Uncertain significance for Charcot-Marie-Tooth disease axonal type 2O. Last evaluated: 2022-06-20. Review status: criteria provided, single submitter. Criteria: Invitae Variant Classification Sherloc (09022015). Collection method: clinical testing. Allele origin: germline.
Comment: This sequence change affects an acceptor splice site in intron 75 of the DYNC1H1 gene. It is expected to disrupt RNA splicing. Variants that disrupt the donor or acceptor splice site typically lead to a loss of protein function (PMID: 16199547), however the current clinical and genetic evidence is not sufficient to establish whether loss-of-function variants in DYNC1H1 cause disease. This variant is not present in population databases (gnomAD no frequency). This variant has not been reported in the literature in individuals affected with DYNC1H1-related conditions. Algorithms developed to predict the effect of sequence changes on RNA splicing suggest that this variant may disrupt the consensus splice site. In summary, the available evidence is currently insufficient to determine the role of this variant in disease. Therefore, it has been classified as a Variant of Uncertain Significance.

Literature cited by the submitters: PubMed 16199547.